The following is an entry in ClinVar:

ClinVar aggregate classification (germline): Conflicting classifications of pathogenicity. Review status: criteria provided, conflicting classifications (1 of 4 stars). 4 submissions from 4 submitters: Uncertain significance (3); Likely benign (1). Last evaluated 2025-10-22.

Conditions:
Cardiovascular phenotype. Identifiers: MedGen CN230736.
Cardiomyopathy (CMYO). Also called: Cardiomyopathies. Identifiers: Orphanet 167848, MedGen C0878544, MONDO:0004994, HP:0001638. Inheritance: Various modes of inheritance.
Danon disease. Also called: PSEUDOGLYCOGENOSIS II; Glycogen Storage Disease Type IIb; ANTOPOL DISEASE; GSD IIb; LYSOSOMAL GLYCOGEN STORAGE DISEASE WITHOUT ACID MALTASE DEFICIENCY. Identifiers: Orphanet 34587, MedGen C0878677, MONDO:0010281, OMIM 300257.

Allele frequency attached by ClinVar (database versions not stated): TOPMed 0.00001; gnomAD 0.00002; ExAC 0.00006; gnomAD exomes 0.00001.
gnomAD v4.1: 19 of 1,207,391 alleles (0.0016%); highest among the groups gnomAD compares: East Asian, 0.0089%; no homozygotes.

Submissions (4):

Labcorp Genetics (formerly Invitae), Labcorp
Classification: Uncertain significance for Danon disease. Last evaluated: 2025-10-22. Review status: criteria provided, single submitter. Criteria: Invitae Variant Classification Sherloc (09022015). Collection method: clinical testing. Allele origin: germline.
Comment: This sequence change replaces glycine, which is neutral and non-polar, with arginine, which is basic and polar, at codon 93 of the LAMP2 protein (p.Gly93Arg). This variant is present in population databases (rs727504953, gnomAD 0.02%). This missense change has been observed in individual(s) with clinical features of Danon disease (PMID: 31464081). ClinVar contains an entry for this variant (Variation ID: 179562). Invitae Evidence Modeling of protein sequence and biophysical properties (such as structural, functional, and spatial information, amino acid conservation, physicochemical variation, residue mobility, and thermodynamic stability) indicates that this missense variant is not expected to disrupt LAMP2 protein function with a negative predictive value of 80%. Studies have shown that this missense change alters LAMP2 gene expression (PMID: 31464081). In summary, the available evidence is currently insufficient to determine the role of this variant in disease. Therefore, it has been classified as a Variant of Uncertain Significance.

Ambry Genetics
Classification: Uncertain significance for Cardiovascular phenotype. Last evaluated: 2022-02-16. Review status: criteria provided, single submitter. Criteria: Ambry Variant Classification Scheme 2023. Collection method: clinical testing. Allele origin: germline.
Comment: The p.G93R variant (also known as c.277G>A), located in coding exon 3 of the LAMP2 gene, results from a G to A substitution at nucleotide position 277. The glycine at codon 93 is replaced by arginine, an amino acid with dissimilar properties. This variant has been detected in individuals with hypertrophic cardiomyopathy; however, co-occurring cardiac variants were also reported and/or clinical details were limited in most cases (Xu J et al. Mol Genet Genomic Med, 2019 10;7:e00941; Kresin N et al. Front Physiol, 2019 Mar;10:239; Harper AR et al. Nat Genet, 2021 02;53:135-142). Based on data from gnomAD, the A allele has an overall frequency of 0.0044% (8/183481) total alleles studied, with 0 hemizygotes observed. The highest observed frequency was 0.0216% (3/13860) of East Asian alleles. This amino acid position is well conserved in available vertebrate species. In addition, this alteration is predicted to be tolerated by in silico analysis. Since supporting evidence is limited at this time, the clinical significance of this alteration remains unclear.

CHEO Genetics Diagnostic Laboratory, Children's Hospital of Eastern Ontario
Classification: Uncertain significance for Cardiomyopathy. Last evaluated: 2021-03-16. Review status: criteria provided, single submitter. Criteria: ACMG Guidelines, 2015. Collection method: clinical testing. Allele origin: germline.

Laboratory for Molecular Medicine, Mass General Brigham Personalized Medicine
Classification: Likely benign. Last evaluated: 2014-03-04. Review status: criteria provided, single submitter. Criteria: LMM Criteria. Collection method: clinical testing. Allele origin: germline. Observed: 1 variant allele.
Comment: Gly93Arg in exon 3 of LAMP2: This variant is not expected to have clinical signi ficance due to a lack of conservation across species, including mammals. Of note , marmoset, squirrel monkey, tree shrew, guinea pig, and rat have an arginine (A rg) at this position. Furthermore, nearly all disease-causing variants in LAMP2 have been truncating loss of function variants, while this is a missense variant . Gly93Arg in exon 3 of LAMP2 (allele frequency = n/a)

Literature cited by the submitters: PubMed 31464081 (cited by Labcorp Genetics (formerly Invitae), Labcorp and Ambry Genetics); PubMed 30984009 (cited by Ambry Genetics); PubMed 33495597 (cited by Ambry Genetics).

NM_002294.3(LAMP2):c.277G>A (p.Gly93Arg)

Gene: LAMP2 (lysosome associated membrane protein 2; minus strand). Cytogenetic location: Xq24.
Variant type: single nucleotide variant.
Coding change: c.277G>A on transcript NM_002294.3 (MANE Select); coding-DNA position 277, G replaced by A.
Protein change: p.Gly93Arg; replaces glycine 93 with arginine.
Molecular consequence: missense variant.
Genome position (GRCh38, 1-based): chrX:120,455,477, C>T on the plus strand (G>A on the coding strand, the complement: LAMP2 is on the minus strand). VCF-style: chrX-120455477-C-T. GRCh37 (hg19) VCF-style: chrX-119589332-C-T.
Other names: c.277G>A, p.Gly93Arg (NM_001122606.1, NM_013995.2); short protein forms G93R.
Identifiers: ClinVar variation 179562 (VCV000179562.15), dbSNP rs727504953, ClinGen allele CA184666.